The following is an entry in ClinVar:

NC_000005.9:g.(?_131721000)_(131721211_?)del

Gene: SLC22A5 (solute carrier family 22 member 5; plus strand). Cytogenetic location: 5q31.1.
Variant type: Deletion.
Identifiers: ClinVar variation 3246301 (VCV003246301.1).

ClinVar aggregate classification (germline): Pathogenic (1 of 4 stars; one submission).

Conditions:
Renal carnitine transport defect (CDSP). Also called: Carnitine transporter deficiency; Carnitine Deficiency, Systemic; Systemic primary carnitine deficiency disease; CARNITINE DEFICIENCY, SYSTEMIC, DUE TO DEFECT IN RENAL REABSORPTION OF CARNITINE; CARNITINE TRANSPORTER, PLASMA-MEMBRANE, DEFICIENCY OF; CARNITINE UPTAKE DEFECT. Identifiers: Orphanet 158, MedGen C0342788, MONDO:0008919, OMIM 212140.

Submission:

Labcorp Genetics (formerly Invitae), Labcorp
Classification: Pathogenic for Renal carnitine transport defect. Last evaluated: 2023-11-06. Review status: criteria provided, single submitter. Criteria: Invitae Variant Classification Sherloc (09022015). Collection method: clinical testing. Allele origin: unknown.
Comment: This variant is a gross deletion of the genomic region encompassing exon(s) 4 of the SLC22A5 gene. This deletion is out-of-frame, and is expected to create a premature termination codon and result in an absent or disrupted protein product. Loss-of-function variants in SLC22A5 are known to be pathogenic (PMID: 9916797). This variant has not been reported in the literature in individuals affected with SLC22A5-related conditions. For these reasons, this variant has been classified as Pathogenic.

Literature cited by the submitters: PubMed 9916797.